The following is an entry in ClinVar:

ClinVar aggregate classification (germline): Benign. Review status: criteria provided, multiple submitters, no conflicts (2 of 4 stars). 2 submissions from 2 submitters: Benign (2). Last evaluated 2018-01-13.

Conditions:
Generalized pustular psoriasis. Identifiers: Orphanet 247353, MedGen C0343055, MONDO:0100491.

Allele frequency attached by ClinVar (database versions not stated): 1000 Genomes Project 0.16134; gnomAD 0.16500 and 0.17157; 1000 Genomes Project 30x 0.16880; TOPMed 0.18392.

Submissions (2):

Illumina Laboratory Services, Illumina
Classification: Benign for Acrodermatitis continua suppurativa of Hallopeau. Last evaluated: 2018-01-13. Review status: criteria provided, single submitter. Criteria: ICSL Variant Classification Criteria 13 December 2019. Collection method: clinical testing. Allele origin: germline.
Comment: This variant was observed in the ICSL laboratory as part of a predisposition screen in an ostensibly healthy population. It had not been previously curated by ICSL or reported in the Human Gene Mutation Database (HGMD: prior to June 1st, 2018), and was therefore a candidate for classification through an automated scoring system. Utilizing variant allele frequency, disease prevalence and penetrance estimates, and inheritance mode, an automated score was calculated to assess if this variant is too frequent to cause the disease. Based on the score and internal cut-off values, a variant classified as benign is not then subjected to further curation. The score for this variant resulted in a classification of benign for this disease.

Breakthrough Genomics
Classification: Benign. Review status: criteria provided, single submitter. Criteria: ACMG Guidelines, 2015. Collection method: not provided. Allele origin: germline. Inheritance: Autosomal recessive inheritance. Affected: yes.

NM_012275.3(IL36RN):c.*1082C>A

Gene: IL36RN (interleukin 36 receptor antagonist; plus strand). Cytogenetic location: 2q14.1.
Variant type: single nucleotide variant.
Coding change: c.*1082C>A on transcript NM_012275.3 (MANE Select); 1082 bases downstream of the stop codon, C replaced by A.
Molecular consequence: 3 prime UTR variant.
Genome position (GRCh38, 1-based): chr2:113,063,759, C>A. VCF-style: chr2-113063759-C-A. GRCh37 (hg19) VCF-style: chr2-113821336-C-A.
Other names: c.*1082C>A (NM_173170.1).
Identifiers: ClinVar variation 330800 (VCV000330800.6), dbSNP rs957200, ClinGen allele CA10611028.